The following is an entry in ClinVar:

NM_206933.4(USH2A):c.365G>T (p.Ser122Ile)

Gene: USH2A (usherin; minus strand). Cytogenetic location: 1q41.
Variant type: single nucleotide variant.
Coding change: c.365G>T on transcript NM_206933.4 (MANE Select); coding-DNA position 365, G replaced by T.
Protein change: p.Ser122Ile; replaces serine 122 with isoleucine.
Molecular consequence: missense variant.
Genome position (GRCh38, 1-based): chr1:216,421,972, C>A on the plus strand (G>T on the coding strand, the complement: USH2A is on the minus strand). VCF-style: chr1-216421972-C-A. GRCh37 (hg19) VCF-style: chr1-216595314-C-A.
Other names: c.365G>T, p.Ser122Ile (NM_007123.6); short protein forms S122I.
Identifiers: ClinVar variation 3907972 (VCV003907972.1).

ClinVar aggregate classification (germline): Uncertain significance (1 of 4 stars; one submission).

gnomAD v4.1: 4 of 1,613,764 alleles (0.00025%); highest among the groups gnomAD compares: Non-Finnish European, 0.000085%; no homozygotes.

Submission:

GeneDx
Classification: Uncertain significance. Last evaluated: 2024-12-30. Review status: criteria provided, single submitter. Criteria: GeneDx Variant Classification Process June 2021. Collection method: clinical testing. Allele origin: germline. Affected: yes.
Comment: In silico analysis indicates that this missense variant does not alter protein structure/function; Has not been previously published as pathogenic or benign to our knowledge